The following is an entry in ClinVar:

ClinVar aggregate classification (germline): Conflicting classifications of pathogenicity. Review status: criteria provided, conflicting classifications (1 of 4 stars). 2 submissions from 2 submitters: Uncertain significance (1); Likely benign (1). Last evaluated 2025-10-14.

Conditions:
Noonan syndrome 9 (NS9). Identifiers: Orphanet 648, MedGen C4225282, MONDO:0014691, OMIM 616559.
Cardiovascular phenotype. Identifiers: MedGen CN230736.

Allele frequency attached by ClinVar (database versions not stated): gnomAD exomes below 0.00001 and 0.00001; ExAC 0.00001; gnomAD 0.00002; TOPMed 0.00002.
gnomAD v4.1: 8 of 1,612,406 alleles (0.0005%); highest among the groups gnomAD compares: African/African-American, 0.0067%; no homozygotes.

Submissions (2):

Ambry Genetics
Classification: Uncertain significance for Cardiovascular phenotype. Last evaluated: 2025-10-14. Review status: criteria provided, single submitter. Criteria: Ambry Variant Classification Scheme 2023. Collection method: clinical testing. Allele origin: germline.
Comment: The p.I731V variant (also known as c.2191A>G), located in coding exon 14 of the SOS2 gene, results from an A to G substitution at nucleotide position 2191. The isoleucine at codon 731 is replaced by valine, an amino acid with highly similar properties. This amino acid position is conserved. In addition, this alteration is predicted to be tolerated by in silico analysis. Based on the available evidence, the clinical significance of this variant remains unclear.

Labcorp Genetics (formerly Invitae), Labcorp
Classification: Likely benign for Noonan syndrome 9. Last evaluated: 2023-05-17. Review status: criteria provided, single submitter. Criteria: Invitae Variant Classification Sherloc (09022015). Collection method: clinical testing. Allele origin: germline.

NM_006939.4(SOS2):c.2191A>G (p.Ile731Val)

Gene: SOS2 (SOS Ras/Rho guanine nucleotide exchange factor 2; minus strand). Cytogenetic location: 14q21.3.
Variant type: single nucleotide variant.
Coding change: c.2191A>G on transcript NM_006939.4 (MANE Select); coding-DNA position 2191, A replaced by G.
Protein change: p.Ile731Val; replaces isoleucine 731 with valine.
Molecular consequence: missense variant.
Genome position (GRCh38, 1-based): chr14:50,150,201, T>C on the plus strand (A>G on the coding strand, the complement: SOS2 is on the minus strand). VCF-style: chr14-50150201-T-C. GRCh37 (hg19) VCF-style: chr14-50616919-T-C.
Other names: c.2191A>G (NM_006939.2); short protein forms I731V.
Identifiers: ClinVar variation 1410946 (VCV001410946.7), dbSNP rs746664310, ClinGen allele CA7177096.